The following is an entry in ClinVar:

ClinVar aggregate classification (germline): Uncertain significance (1 of 4 stars; one submission).

Conditions:
RASopathy. Also called: rasopathies; Noonan spectrum disorder. Identifiers: Orphanet 536391, MedGen C5555857, MONDO:0021060.

Submission:

Labcorp Genetics (formerly Invitae), Labcorp
Classification: Uncertain significance for RASopathy. Last evaluated: 2026-01-10. Review status: criteria provided, single submitter. Criteria: Invitae Variant Classification Sherloc (09022015). Collection method: clinical testing. Allele origin: germline.
Comment: This sequence change falls in intron 15 of the CBL gene. It does not directly change the encoded amino acid sequence of the CBL protein. It affects a nucleotide within the consensus splice site. This variant is not present in population databases (gnomAD no frequency). This variant has not been reported in the literature in individuals affected with CBL-related conditions. Variants that disrupt the consensus splice site are a relatively common cause of aberrant splicing (PMID: 17576681, 9536098). Algorithms developed to predict the effect of sequence changes on RNA splicing suggest that this variant may disrupt the consensus splice site. In summary, the available evidence is currently insufficient to determine the role of this variant in disease. Therefore, it has been classified as a Variant of Uncertain Significance.

Literature cited by the submitters: PubMed 17576681; PubMed 9536098.

NM_005188.4(CBL):c.2435-1G>A

Gene: CBL (Cbl proto-oncogene; plus strand). Cytogenetic location: 11q23.3.
Variant type: single nucleotide variant.
Coding change: c.2435-1G>A on transcript NM_005188.4 (MANE Select); the canonical splice acceptor site of the intron before coding-DNA position 2435, G replaced by A.
Molecular consequence: splice acceptor variant.
Genome position (GRCh38, 1-based): chr11:119,299,494, G>A. VCF-style: chr11-119299494-G-A. GRCh37 (hg19) VCF-style: chr11-119170204-G-A.
Identifiers: ClinVar variation 4782182 (VCV004782182.1).